The following is an entry in ClinVar:

ClinVar aggregate classification (germline): Uncertain significance (1 of 4 stars; one submission).

Allele frequency attached by ClinVar (database versions not stated): TOPMed below 0.00001; gnomAD 0.00001; gnomAD exomes below 0.00001.
gnomAD v4.1: 3 of 1,614,060 alleles (0.00019%); highest among the groups gnomAD compares: Non-Finnish European, 0.00025%; no homozygotes.

Submission:

GeneDx
Classification: Uncertain significance. Last evaluated: 2026-01-17. Review status: criteria provided, single submitter. Criteria: GeneDx Variant Classification Process June 2021. Collection method: clinical testing. Allele origin: germline. Affected: yes.
Comment: Not observed at significant frequency in large population cohorts (gnomAD); In silico analysis supports that this missense variant has a deleterious effect on protein structure/function; Has not been previously published as pathogenic or benign to our knowledge

NM_015570.4(AUTS2):c.2057T>C (p.Phe686Ser)

Gene: AUTS2 (activator of transcription and developmental regulator AUTS2; plus strand). Cytogenetic location: 7q11.22.
Variant type: single nucleotide variant.
Coding change: c.2057T>C on transcript NM_015570.4 (MANE Select); coding-DNA position 2057, T replaced by C.
Protein change: p.Phe686Ser; replaces phenylalanine 686 with serine.
Molecular consequence: missense variant.
Genome position (GRCh38, 1-based): chr7:70,781,667, T>C. VCF-style: chr7-70781667-T-C. GRCh37 (hg19) VCF-style: chr7-70246653-T-C.
Other names: c.1985T>C, p.Phe662Ser (NM_001127231.3); short protein forms F662S, F686S.
Identifiers: ClinVar variation 1723655 (VCV001723655.3), dbSNP rs1192721397, ClinGen allele CA367663112.